The following is an entry in ClinVar:

ClinVar aggregate classification (germline): Uncertain significance. Review status: criteria provided, multiple submitters, no conflicts (2 of 4 stars). 4 submissions from 4 submitters: Uncertain significance (2). 2 of the submissions do not count toward it. Last evaluated 2026-01-27.

Conditions:
Dilated cardiomyopathy 1O (CMD1O). Also called: CARDIOMYOPATHY, DILATED, WITH VENTRICULAR TACHYCARDIA. Identifiers: Orphanet 154, MedGen C1837839, MONDO:0012062, OMIM 608569.

gnomAD v4.1: 3 of 1,613,376 alleles (0.00019%); highest among the groups gnomAD compares: Admixed American, 0.0033%; no homozygotes.

Submissions (4):

Labcorp Genetics (formerly Invitae), Labcorp
Classification: Uncertain significance for Dilated cardiomyopathy 1O. Last evaluated: 2026-01-27. Review status: criteria provided, single submitter. Criteria: Invitae Variant Classification Sherloc (09022015). Collection method: clinical testing. Allele origin: germline.
Comment: This sequence change replaces alanine, which is neutral and non-polar, with serine, which is neutral and polar, at codon 1187 of the ABCC9 protein (p.Ala1187Ser). This variant is not present in population databases (gnomAD no frequency). This variant has not been reported in the literature in individuals affected with ABCC9-related conditions. ClinVar contains an entry for this variant (Variation ID: 1284714). Invitae Evidence Modeling of protein sequence and biophysical properties (such as structural, functional, and spatial information, amino acid conservation, physicochemical variation, residue mobility, and thermodynamic stability) indicates that this missense variant is expected to disrupt ABCC9 protein function with a positive predictive value of 95%. In summary, the available evidence is currently insufficient to determine the role of this variant in disease. Therefore, it has been classified as a Variant of Uncertain Significance.

Blueprint Genetics
Classification: Uncertain significance. Last evaluated: 2021-12-03. Review status: criteria provided, single submitter. Criteria: ACMG Guidelines, 2015. Collection method: clinical testing. Allele origin: germline.

Clinical Genetics DNA and cytogenetics Diagnostics Lab, Erasmus MC, Erasmus Medical Center
Classification: Uncertain significance. Review status: no assertion criteria provided. Collection method: clinical testing. Allele origin: germline. Affected: yes. Study: VKGL Data-share Consensus. Not counted in ClinVar's aggregate classification.

Clinical Genetics, Academic Medical Center
Classification: Uncertain significance. Review status: no assertion criteria provided. Collection method: clinical testing. Allele origin: germline. Affected: yes. Study: VKGL Data-share Consensus. Not counted in ClinVar's aggregate classification.

NM_020297.4(ABCC9):c.3559G>T (p.Ala1187Ser)

Gene: ABCC9 (ATP binding cassette subfamily C member 9; minus strand). Cytogenetic location: 12p12.1.
Variant type: single nucleotide variant.
Coding change: c.3559G>T on transcript NM_020297.4 (MANE Select); coding-DNA position 3559, G replaced by T.
Protein change: p.Ala1187Ser; replaces alanine 1187 with serine.
Molecular consequence: missense variant.
Genome position (GRCh38, 1-based): chr12:21,838,085, C>A on the plus strand (G>T on the coding strand, the complement: ABCC9 is on the minus strand). VCF-style: chr12-21838085-C-A. GRCh37 (hg19) VCF-style: chr12-21991019-C-A.
Other names: c.3559G>T, p.Ala1187Ser (NM_001377273.1, NM_005691.4); c.2692G>T, p.Ala898Ser (NM_001377274.1); short protein forms A1187S, A898S.
Identifiers: ClinVar variation 1284714 (VCV001284714.10), dbSNP rs1407639079, ClinGen allele CA384140533.
Genomic context (GRCh38, chr12:21,838,085, plus strand): 5'-TTTGTTGATGATGTTATTGCCTAGTCAGCTAATATAAAAATGTGTTTACTCACCTAAAGG[C>A]CCGAATGGTGGTGAGTCCTTCTGCTGTTTCTGAGAAGTGACAGAGCAGAGGGAGCTGGGT-3'
Protein context (NP_064693.2, residues 1177-1197): ETAEGLTTIR[Ala1187Ser]FRHETRFKQR